The following is an entry in ClinVar:

NM_015158.5(KANK1):c.2432C>T (p.Pro811Leu)

Gene: KANK1 (KN motif and ankyrin repeat domains 1; plus strand). Cytogenetic location: 9p24.3.
Variant type: single nucleotide variant.
Coding change: c.2432C>T on transcript NM_015158.5 (MANE Select); coding-DNA position 2432, C replaced by T.
Protein change: p.Pro811Leu; replaces proline 811 with leucine.
Molecular consequence: missense variant. On other transcripts: non-coding transcript variant (1).
Genome position (GRCh38, 1-based): chr9:713,198, C>T. VCF-style: chr9-713198-C-T. GRCh37 (hg19) VCF-style: chr9-713198-C-T.
Other names: c.2432C>T, p.Pro811Leu (NM_001256876.3, NM_001256877.3, NM_001354331.2 and 2 more transcripts); c.1958C>T, p.Pro653Leu (NM_001354333.2, NM_001354335.2, NM_001354336.2 and 9 more transcripts); short protein forms P653L, P811L.
Identifiers: ClinVar variation 2170276 (VCV002170276.4), dbSNP rs763138872, ClinGen allele CA4960508.
Genomic context (GRCh38, chr9:713,198, plus strand): 5'-CAGCCAGCAGAAGGAGCGTGGGGGTTGGGGATGACCCTGTAGGGGAATCTCTGGAGAACC[C>T]CCAGCCTCAAGCTCCACTTGGAATGATGACTGGCCTGGATCACTACATTGAGCGTATCCA-3'
Protein context (NP_055973.2, residues 801-821): DDPVGESLEN[Pro811Leu]QPQAPLGMMT

ClinVar aggregate classification (germline): Uncertain significance (1 of 4 stars; one submission).

Allele frequency attached by ClinVar (database versions not stated): gnomAD 0.00007; TOPMed 0.00008; ExAC 0.00013.
gnomAD v4.1: 80 of 1,586,534 alleles (0.005%); highest among the groups gnomAD compares: East Asian, 0.17%; 1 homozygote.

Submission:

Labcorp Genetics (formerly Invitae), Labcorp
Classification: Uncertain significance. Last evaluated: 2024-06-03. Review status: criteria provided, single submitter. Criteria: Invitae Variant Classification Sherloc (09022015). Collection method: clinical testing. Allele origin: germline.
Comment: This sequence change replaces proline, which is neutral and non-polar, with leucine, which is neutral and non-polar, at codon 811 of the KANK1 protein (p.Pro811Leu). This variant is present in population databases (rs763138872, gnomAD 0.2%), and has an allele count higher than expected for a pathogenic variant. This variant has not been reported in the literature in individuals affected with KANK1-related conditions. ClinVar contains an entry for this variant (Variation ID: 2170276). Advanced modeling of protein sequence and biophysical properties (such as structural, functional, and spatial information, amino acid conservation, physicochemical variation, residue mobility, and thermodynamic stability) performed at Invitae indicates that this missense variant is not expected to disrupt KANK1 protein function with a negative predictive value of 80%. In summary, the available evidence is currently insufficient to determine the role of this variant in disease. Therefore, it has been classified as a Variant of Uncertain Significance.